The following is an entry in ClinVar:

ClinVar aggregate classification (germline): Uncertain significance (1 of 4 stars; one submission).

Conditions:
Cerebral folate transport deficiency. Also called: Cerebral folate deficiency syndrome; Neurodegenerative syndrome due to cerebral folate transport deficiency; FOLR1-Related Cerebral Folate Transport Deficiency; FOLATE RECEPTOR DEFICIENCY; NEURODEGENERATION DUE TO CEREBRAL FOLATE TRANSPORT DEFICIENCY. Identifiers: Orphanet 217382, MedGen C2751584, MONDO:0013110, OMIM 613068. Disease mechanism: loss of function.

Submission:

Labcorp Genetics (formerly Invitae), Labcorp
Classification: Uncertain significance for Cerebral folate transport deficiency. Last evaluated: 2022-06-29. Review status: criteria provided, single submitter. Criteria: Invitae Variant Classification Sherloc (09022015). Collection method: clinical testing. Allele origin: germline.
Comment: In summary, the available evidence is currently insufficient to determine the role of this variant in disease. Therefore, it has been classified as a Variant of Uncertain Significance. Algorithms developed to predict the effect of missense changes on protein structure and function (SIFT, PolyPhen-2, Align-GVGD) all suggest that this variant is likely to be disruptive. ClinVar contains an entry for this variant (Variation ID: 852887). This variant has not been reported in the literature in individuals affected with FOLR1-related conditions. This variant is not present in population databases (gnomAD no frequency). This sequence change replaces lysine, which is basic and polar, with asparagine, which is neutral and polar, at codon 41 of the FOLR1 protein (p.Lys41Asn).

NM_016729.3(FOLR1):c.123G>C (p.Lys41Asn)

Genes: FOLR1-AS1 (FOLR1 antisense RNA 1; minus strand), FOLR1 (folate receptor alpha; plus strand). Cytogenetic location: 11q13.4.
Variant type: single nucleotide variant.
Coding change: c.123G>C on transcript NM_016729.3 (MANE Select); coding-DNA position 123, G replaced by C.
Protein change: p.Lys41Asn; replaces lysine 41 with asparagine.
Molecular consequence: missense variant.
Genome position (GRCh38, 1-based): chr11:72,192,296, G>C. VCF-style: chr11-72192296-G-C. GRCh37 (hg19) VCF-style: chr11-71903340-G-C.
Other names: c.123G>C, p.Lys41Asn (NM_000802.3, NM_016724.3, NM_016725.3); short protein forms K41N.
Identifiers: ClinVar variation 852887 (VCV000852887.12), dbSNP rs1948167008, ClinGen allele CA381729728.
Genomic context (GRCh38, chr11:72,192,296, plus strand): 5'-GGCTCAGACAAGGATTGCATGGGCCAGGACTGAGCTTCTCAATGTCTGCATGAACGCCAA[G>C]CACCACAAGGAAAAGCCAGGCCCCGAGGACAAGTTGCATGAGCAGGTGGGCCAGGGGGTG-3'
Protein context (NP_057941.1, residues 31-51): TELLNVCMNA[Lys41Asn]HHKEKPGPED